The following is an entry in ClinVar:

NM_016628.5(WAC):c.-9C>T

Genes: WAC (WW domain containing adaptor with coiled-coil; plus strand), LOC130003574 (ATAC-STARR-seq lymphoblastoid silent region 2253; plus strand). Cytogenetic location: 10p12.1.
Variant type: single nucleotide variant.
Coding change: c.-9C>T on transcript NM_016628.5 (MANE Select); 9 bases upstream of the start codon, C replaced by T.
Molecular consequence: 5 prime UTR variant. On other transcripts: intron variant (1).
Genome position (GRCh38, 1-based): chr10:28,533,571, C>T. VCF-style: chr10-28533571-C-T. GRCh37 (hg19) VCF-style: chr10-28822500-C-T.
Other names: c.-9C>T (NM_100486.4); c.-94-427C>T (NM_100264.3).
Identifiers: ClinVar variation 4977165 (VCV004977165.1).

ClinVar aggregate classification (germline): Likely benign (1 of 4 stars; one submission).

Conditions:
WAC-related disorder. Also called: WAC-related condition.

gnomAD v4.1: 18 of 1,563,070 alleles (0.0012%); highest among the groups gnomAD compares: African/African-American, 0.0014%; no homozygotes.

Submission:

PreventionGenetics, part of Exact Sciences
Classification: Likely benign for WAC-related condition. Last evaluated: 2026-06-22. Review status: criteria provided, single submitter. Criteria: ACMG Guidelines, 2015. Collection method: clinical testing. Allele origin: germline.
Comment: This variant is classified as likely benign based on ACMG/AMP sequence variant interpretation guidelines (Richards et al. 2015 PMID: 25741868, with internal and published modifications).